The following is an entry in ClinVar:

NM_002948.5(RPL15):c.614A>G (p.Ter205=)

Genes: NKIRAS1 (NFKB inhibitor interacting Ras like 1; minus strand), RPL15 (ribosomal protein L15; plus strand). Cytogenetic location: 3p24.2.
Variant type: single nucleotide variant.
Coding change: c.614A>G on transcript NM_002948.5 (MANE Select); coding-DNA position 614, A replaced by G.
Protein change: p.Ter205=.
Molecular consequence: synonymous variant. On other transcripts: intron variant (2).
Genome position (GRCh38, 1-based): chr3:23,919,500, A>G. VCF-style: chr3-23919500-A-G. GRCh37 (hg19) VCF-style: chr3-23960991-A-G.
Other names: c.614A>G, p.Ter205= (NM_001253379.2, NM_001253380.2, NM_001253382.2 and 1 more transcripts); c.-139-8050T>C (NM_001377380.1); c.360+254A>G (NM_001253384.2).
Identifiers: ClinVar variation 2173039 (VCV002173039.5), dbSNP rs914825838, ClinGen allele CA71532115.

ClinVar aggregate classification (germline): Likely benign. Review status: criteria provided, single submitter (1 of 4 stars). 2 submissions from 2 submitters: Likely benign (1). 1 of the submissions does not count toward it. Last evaluated 2025-05-27.

Conditions:
RPL15-related disorder. Also called: RPL15-related condition.

Allele frequency attached by ClinVar (database versions not stated): gnomAD exomes below 0.00001; TOPMed 0.00002; gnomAD 0.00003.
gnomAD v4.1: 8 of 1,560,618 alleles (0.00051%); highest among the groups gnomAD compares: African/African-American, 0.0082%; no homozygotes.

Submissions (2):

Labcorp Genetics (formerly Invitae), Labcorp
Classification: Likely benign. Last evaluated: 2025-05-27. Review status: criteria provided, single submitter. Criteria: Invitae Variant Classification Sherloc (09022015). Collection method: clinical testing. Allele origin: germline.

PreventionGenetics, part of Exact Sciences
Classification: Likely benign for RPL15-related condition. Last evaluated: 2021-09-13. Review status: no assertion criteria provided. Collection method: clinical testing. Allele origin: germline. Not counted in ClinVar's aggregate classification.
Comment: This variant is classified as likely benign based on ACMG/AMP sequence variant interpretation guidelines (Richards et al. 2015 PMID: 25741868, with internal and published modifications).